The following is an entry in ClinVar:

ClinVar aggregate classification (germline): Likely benign. Review status: criteria provided, multiple submitters, no conflicts (2 of 4 stars). 3 submissions from 3 submitters: Likely benign (2). 1 of the submissions does not count toward it. Last evaluated 2024-02-21.

Conditions:
DENND5A-related disorder. Also called: DENND5A-related condition.

Allele frequency attached by ClinVar (database versions not stated): gnomAD 0.00002; TOPMed 0.00003; ESP Exome Variant Server 0.00008; gnomAD exomes 0.00001.
gnomAD v4.1: 16 of 1,613,694 alleles (0.00099%); highest among the groups gnomAD compares: African/African-American, 0.0067%; no homozygotes.

Submissions (3):

Labcorp Genetics (formerly Invitae), Labcorp
Classification: Likely benign. Last evaluated: 2024-02-21. Review status: criteria provided, single submitter. Criteria: Invitae Variant Classification Sherloc (09022015). Collection method: clinical testing. Allele origin: germline.

Blueprint Genetics
Classification: Likely benign. Last evaluated: 2020-09-15. Review status: criteria provided, single submitter. Criteria: ACMG Guidelines, 2015. Collection method: clinical testing. Allele origin: germline.

PreventionGenetics, part of Exact Sciences
Classification: Likely benign for DENND5A-related condition. Last evaluated: 2019-04-11. Review status: no assertion criteria provided. Collection method: clinical testing. Allele origin: germline. Not counted in ClinVar's aggregate classification.
Comment: This variant is classified as likely benign based on ACMG/AMP sequence variant interpretation guidelines (Richards et al. 2015 PMID: 25741868, with internal and published modifications).

NM_015213.4(DENND5A):c.3837G>A (p.Thr1279=)

Gene: DENND5A (DENN domain containing 5A; minus strand). Cytogenetic location: 11p15.4.
Variant type: single nucleotide variant.
Coding change: c.3837G>A on transcript NM_015213.4 (MANE Select); coding-DNA position 3837, G replaced by A.
Protein change: p.Thr1279=; no amino-acid change (threonine 1279 retained).
Molecular consequence: synonymous variant. On other transcripts: 3 prime UTR variant (1), non-coding transcript variant (1).
Genome position (GRCh38, 1-based): chr11:9,139,698, C>T on the plus strand (G>A on the coding strand, the complement: DENND5A is on the minus strand). VCF-style: chr11-9139698-C-T. GRCh37 (hg19) VCF-style: chr11-9161245-C-T.
Other names: c.*77G>A (NM_001243254.2); c.3837G>A, p.Thr1279= (NM_001348748.1); c.3765G>A, p.Thr1255= (NM_001348749.2); c.3549G>A, p.Thr1183= (NM_001348750.2); c.3837G>A (NM_015213.3).
Identifiers: ClinVar variation 1896753 (VCV001896753.8), dbSNP rs138216293, ClinGen allele CA217535188.